The following is an entry in ClinVar:

ClinVar aggregate classification (germline): Uncertain significance (1 of 4 stars; one submission).

Allele frequency attached by ClinVar (database versions not stated): TOPMed below 0.00001.

Submission:

Labcorp Genetics (formerly Invitae), Labcorp
Classification: Uncertain significance. Last evaluated: 2021-11-04. Review status: criteria provided, single submitter. Criteria: Invitae Variant Classification Sherloc (09022015). Collection method: clinical testing. Allele origin: germline.
Comment: This sequence change creates a premature translational stop signal (p.Lys1250*) in the A2ML1 gene. It is expected to result in an absent or disrupted protein product. However, the current clinical and genetic evidence is not sufficient to establish whether loss-of-function variants in A2ML1 cause disease. This variant is not present in population databases (gnomAD no frequency). In summary, the available evidence is currently insufficient to determine the role of this variant in disease. Therefore, it has been classified as a Variant of Uncertain Significance. This variant has not been reported in the literature in individuals affected with A2ML1-related conditions.

NM_144670.6(A2ML1):c.3748A>T (p.Lys1250Ter)

Gene: A2ML1 (alpha-2-macroglobulin like 1; plus strand). Cytogenetic location: 12p13.31.
Variant type: single nucleotide variant.
Coding change: c.3748A>T on transcript NM_144670.6 (MANE Select); coding-DNA position 3748, A replaced by T.
Protein change: p.Lys1250Ter; replaces lysine 1250 with a stop codon.
Molecular consequence: nonsense.
Genome position (GRCh38, 1-based): chr12:8,867,872, A>T. VCF-style: chr12-8867872-A-T. GRCh37 (hg19) VCF-style: chr12-9020468-A-T.
Other names: c.2275A>T, p.Lys759Ter (NM_001282424.3); short protein forms K1250*, K759*.
Identifiers: ClinVar variation 1442584 (VCV001442584.6), dbSNP rs1403738657, ClinGen allele CA383843939.